The following is an entry in ClinVar:

NM_021116.4(ADCY1):c.3184G>A (p.Gly1062Ser)

Gene: ADCY1 (adenylate cyclase 1; plus strand). Cytogenetic location: 7p12.3.
Variant type: single nucleotide variant.
Coding change: c.3184G>A on transcript NM_021116.4 (MANE Select); coding-DNA position 3184, G replaced by A.
Protein change: p.Gly1062Ser; replaces glycine 1062 with serine.
Molecular consequence: missense variant.
Genome position (GRCh38, 1-based): chr7:45,713,819, G>A. VCF-style: chr7-45713819-G-A. GRCh37 (hg19) VCF-style: chr7-45753418-G-A.
Other names: short protein forms G1062S.
Identifiers: ClinVar variation 667036 (VCV000667036.39), dbSNP rs76737937, ClinGen allele CA4249444.

ClinVar aggregate classification (germline): Benign. Review status: criteria provided, multiple submitters, no conflicts (2 of 4 stars). 6 submissions from 6 submitters: Benign (5). 1 of the submissions does not count toward it. Last evaluated 2026-01-15.

Conditions:
ADCY1-related disorder. Also called: ADCY1-related condition.

Allele frequency attached by ClinVar (database versions not stated): 1000 Genomes Project 0.00339; 1000 Genomes Project 30x 0.00375; TOPMed 0.00471; gnomAD 0.00483 and 0.00504; gnomAD exomes 0.00602; ESP Exome Variant Server 0.00638; ExAC 0.00684.

Submissions (6):

Labcorp Genetics (formerly Invitae), Labcorp
Classification: Benign. Last evaluated: 2026-01-15. Review status: criteria provided, single submitter. Criteria: Invitae Variant Classification Sherloc (09022015). Collection method: clinical testing. Allele origin: germline.

CeGaT Center for Human Genetics Tuebingen
Classification: Benign. Last evaluated: 2024-01-01. Review status: criteria provided, single submitter. Criteria: CeGaT Center For Human Genetics Tuebingen Variant Classification Criteria Version 2. Collection method: clinical testing. Allele origin: germline. Affected: yes. Observed: 1 variant allele.
Comment: ADCY1: BP4, BS1, BS2

GeneDx
Classification: Benign. Last evaluated: 2020-07-06. Review status: criteria provided, single submitter. Criteria: GeneDx Variant Classification Process June 2021. Collection method: clinical testing. Allele origin: germline. Affected: yes.

Athena Diagnostics
Classification: Benign. Last evaluated: 2019-07-12. Review status: criteria provided, single submitter. Criteria: Athena Diagnostics Criteria. Collection method: clinical testing. Allele origin: germline.

Laboratory for Molecular Medicine, Mass General Brigham Personalized Medicine
Classification: Benign. Last evaluated: 2017-08-23. Review status: criteria provided, single submitter. Criteria: LMM Criteria. Collection method: clinical testing. Allele origin: germline. Observed: 4 variant alleles.
Comment: p.Gly1062Ser in exon 20 of ADCY1: This variant is not expected to have clinical significance because it has been identified in 1.15% (190/16512) of South Asian chromosomes by the Exome Aggregation Consortium (ExAC; dbSNP rs76737937).

PreventionGenetics, part of Exact Sciences
Classification: Benign for ADCY1-related condition. Last evaluated: 2019-04-01. Review status: no assertion criteria provided. Collection method: clinical testing. Allele origin: germline. Not counted in ClinVar's aggregate classification.
Comment: This variant is classified as benign based on ACMG/AMP sequence variant interpretation guidelines (Richards et al. 2015 PMID: 25741868, with internal and published modifications).